The following is an entry in ClinVar:

ClinVar aggregate classification (germline): Benign/Likely benign. Review status: criteria provided, multiple submitters, no conflicts (2 of 4 stars). 7 submissions from 7 submitters: Benign (2); Likely benign (3). 2 of the submissions do not count toward it. Last evaluated 2026-01-28.

Conditions:
VSX2-related disorder. Also called: VSX2-related condition.
Microphthalmia. Also called: Microphthalmos. Identifiers: MedGen C0026010, MONDO:0021129, HP:0000568.
Isolated microphthalmia 2. Identifiers: Orphanet 2542, MedGen C1864720, MONDO:0012409, OMIM 610093.

Allele frequency attached by ClinVar (database versions not stated): gnomAD exomes 0.00066; ExAC 0.00082; gnomAD 0.00258 and 0.00273; TOPMed 0.00290; ESP Exome Variant Server 0.00292; 1000 Genomes Project 0.00339; 1000 Genomes Project 30x 0.00375.
gnomAD v4.1: 743 of 1,613,706 alleles (0.046%); highest among the groups gnomAD compares: African/African-American, 0.9%; 6 homozygotes.

Submissions (7):

Labcorp Genetics (formerly Invitae), Labcorp
Classification: Benign for Isolated microphthalmia 2. Last evaluated: 2026-01-28. Review status: criteria provided, single submitter. Criteria: Invitae Variant Classification Sherloc (09022015). Collection method: clinical testing. Allele origin: germline.

Blueprint Genetics
Classification: Likely benign. Last evaluated: 2024-06-26. Review status: criteria provided, single submitter. Criteria: ACMG Guidelines, 2015. Collection method: clinical testing. Allele origin: germline.

CeGaT Center for Human Genetics Tuebingen
Classification: Likely benign. Last evaluated: 2021-05-01. Review status: criteria provided, single submitter. Criteria: CeGaT Center For Human Genetics Tuebingen Variant Classification Criteria Version 2. Collection method: clinical testing. Allele origin: germline. Affected: yes. Observed: 1 variant allele.

GeneDx
Classification: Benign. Last evaluated: 2020-09-14. Review status: criteria provided, single submitter. Criteria: GeneDx Variant Classification Process June 2021. Collection method: clinical testing. Allele origin: germline. Affected: yes.

Eurofins Ntd Llc (ga)
Classification: Likely benign. Last evaluated: 2016-08-02. Review status: criteria provided, single submitter. Criteria: EGL Classification Definitions 2015. Collection method: clinical testing. Allele origin: germline. Observed: 1 variant allele, 1 heterozygote.

PreventionGenetics, part of Exact Sciences
Classification: Benign for VSX2-related condition. Last evaluated: 2022-02-14. Review status: no assertion criteria provided. Collection method: clinical testing. Allele origin: germline. Not counted in ClinVar's aggregate classification.
Comment: This variant is classified as benign based on ACMG/AMP sequence variant interpretation guidelines (Richards et al. 2015 PMID: 25741868, with internal and published modifications).

Natera, Inc.
Classification: Likely benign for Microphthalmia. Last evaluated: 2019-12-14. Review status: no assertion criteria provided. Collection method: clinical testing. Allele origin: germline. Not counted in ClinVar's aggregate classification.

NM_182894.3(VSX2):c.522C>T (p.Asp174=)

Gene: VSX2 (visual system homeobox 2; plus strand). Cytogenetic location: 14q24.3.
Variant type: single nucleotide variant.
Coding change: c.522C>T on transcript NM_182894.3 (MANE Select); coding-DNA position 522, C replaced by T.
Protein change: p.Asp174=; no amino-acid change (aspartic acid 174 retained).
Molecular consequence: synonymous variant.
Genome position (GRCh38, 1-based): chr14:74,245,231, C>T. VCF-style: chr14-74245231-C-T. GRCh37 (hg19) VCF-style: chr14-74711934-C-T.
Identifiers: ClinVar variation 289848 (VCV000289848.53), dbSNP rs78509400, ClinGen allele CA7266347.